The following is an entry in ClinVar:

ClinVar aggregate classification (germline): Conflicting classifications of pathogenicity. Review status: criteria provided, conflicting classifications (1 of 4 stars). 7 submissions from 7 submitters: Uncertain significance (6); Likely benign (1). Last evaluated 2025-12-28.

Conditions:
Dilated cardiomyopathy 1G (CMD1G). Identifiers: Orphanet 154, MedGen C1858763, MONDO:0011400, OMIM 604145.
Autosomal recessive limb-girdle muscular dystrophy type 2J (LGMDR10). Also called: Limb-girdle muscular dystrophy, type 2J; MUSCULAR DYSTROPHY, LIMB-GIRDLE, AUTOSOMAL RECESSIVE 10. Identifiers: Orphanet 140922, MedGen C1837342, MONDO:0012127, OMIM 608807.

Allele frequency attached by ClinVar (database versions not stated): gnomAD exomes below 0.00001.
gnomAD v4.1: 1 of 1,596,178 alleles (0.000063%); highest among the groups gnomAD compares: African/African-American, 0.0013%; no homozygotes.

Submissions (7):

Labcorp Genetics (formerly Invitae), Labcorp
Classification: Uncertain significance for Dilated cardiomyopathy 1G; Autosomal recessive limb-girdle muscular dystrophy type 2J. Last evaluated: 2025-12-28. Review status: criteria provided, single submitter. Criteria: Invitae Variant Classification Sherloc (09022015). Collection method: clinical testing. Allele origin: germline.
Comment: This sequence change replaces glutamic acid, which is acidic and polar, with alanine, which is neutral and non-polar, at codon 35796 of the TTN protein (p.Glu35796Ala). This variant is not present in population databases (gnomAD no frequency). This missense change has been observed in individuals with clinical features of TTN-related conditions (PMID: 30365001, 31069529, 31130284, 39232665; internal data). This variant is also known as c.80192A>C (p.Glu26731Ala) and c.99683A>C (p.Glu33228Ala). ClinVar contains an entry for this variant (Variation ID: 534963). Experimental studies and prediction algorithms are not available or were not evaluated, and the functional significance of this variant is currently unknown. This variant is located in the M band of TTN (PMID: 25589632). Non-truncating variants in this region may be relevant for neuromuscular disorders, but have not been definitively shown to cause cardiomyopathy (PMID: 23975875). In summary, the available evidence is currently insufficient to determine the role of this variant in disease. Therefore, it has been classified as a Variant of Uncertain Significance.

Revvity Omics, Revvity
Classification: Uncertain significance. Last evaluated: 2024-06-27. Review status: criteria provided, single submitter. Criteria: ACMG Guidelines, 2015. Collection method: clinical testing. Allele origin: germline.

Genomic Medicine Center of Excellence, King Faisal Specialist Hospital and Research Centre
Classification: Uncertain significance for Dilated cardiomyopathy 1G. Last evaluated: 2024-03-17. Review status: criteria provided, single submitter. Criteria: ACMG Guidelines, 2015. Collection method: research. Allele origin: germline.

Mayo Clinic Laboratories, Mayo Clinic
Classification: Uncertain significance. Last evaluated: 2021-10-08. Review status: criteria provided, single submitter. Criteria: ACMG Guidelines, 2015. Collection method: clinical testing. Allele origin: germline.

Blueprint Genetics
Classification: Uncertain significance. Last evaluated: 2019-06-24. Review status: criteria provided, single submitter. Criteria: ACMG Guidelines, 2015. Collection method: clinical testing. Allele origin: germline.

GeneDx
Classification: Likely benign. Last evaluated: 2018-11-23. Review status: criteria provided, single submitter. Criteria: GeneDx Variant Classification Process June 2021. Collection method: clinical testing. Allele origin: germline. Affected: yes.
Comment: See Variant Classification Assertion Criteria.

CeGaT Center for Human Genetics Tuebingen
Classification: Uncertain significance. Last evaluated: 2018-04-01. Review status: criteria provided, single submitter. Criteria: CeGaT Center For Human Genetics Tuebingen Variant Classification Criteria Version 2. Collection method: clinical testing. Allele origin: germline. Affected: yes. Observed: 3 variant alleles.

Literature cited by the submitters: PubMed 30365001 (cited by Labcorp Genetics (formerly Invitae), Labcorp); PubMed 31069529 (cited by Labcorp Genetics (formerly Invitae), Labcorp); PubMed 31130284 (cited by Labcorp Genetics (formerly Invitae), Labcorp); PubMed 39232665 (cited by Labcorp Genetics (formerly Invitae), Labcorp); PubMed 25589632 (cited by Labcorp Genetics (formerly Invitae), Labcorp); PubMed 23975875 (cited by Labcorp Genetics (formerly Invitae), Labcorp).

NM_001267550.2(TTN):c.107387A>C (p.Glu35796Ala)

Genes: TTN (titin; minus strand), TTN-AS1 (TTN antisense RNA 1; plus strand). Cytogenetic location: 2q31.2.
Variant type: single nucleotide variant.
Coding change: c.107387A>C on transcript NM_001267550.2 (MANE Select); coding-DNA position 107387, A replaced by C.
Protein change: p.Glu35796Ala; replaces glutamic acid 35796 with alanine.
Molecular consequence: missense variant.
Genome position (GRCh38, 1-based): chr2:178,527,739, T>G on the plus strand (A>C on the coding strand, the complement: TTN is on the minus strand). VCF-style: chr2-178527739-T-G. GRCh37 (hg19) VCF-style: chr2-179392466-T-G.
Other names: p.Glu33228Ala; c.107387A>C (NM_001267550.1); c.102464A>C, p.Glu34155Ala (NM_001256850.1); c.80192A>C, p.Glu26731Ala (NM_003319.4); c.99683A>C, p.Glu33228Ala (NM_133378.4); c.80567A>C, p.Glu26856Ala (NM_133432.3); c.80768A>C, p.Glu26923Ala (NM_133437.4); short protein forms E35796A, E26731A, E26923A, E33228A, E34155A, E26856A.
Identifiers: ClinVar variation 534963 (VCV000534963.58), dbSNP rs1553478042, ClinGen allele CA349401143.
Genomic context (GRCh38, chr2:178,527,739, plus strand): 5'-AAGCTTCCTTGCAAGCTTGTGTCACCACTTGTTCTCAATACTACCTCTCTGGAAGGTTCT[T>G]CAACTAGAGCTGTGGAGCATAGCAGATACACAGTGAACATCAATGACATCTGGTTAATTG-3'
Protein context (NP_001254479.2, residues 35786-35806): TASLMVLPLV[Glu35796Ala]EPSREVVLRT